The following is an entry in ClinVar:

NM_031854.3(KRTAP4-12):c.306C>T (p.Arg102=)

Gene: KRTAP4-12 (keratin associated protein 4-12; minus strand). Cytogenetic location: 17q21.2.
Variant type: single nucleotide variant.
Coding change: c.306C>T on transcript NM_031854.3 (MANE Select); coding-DNA position 306, C replaced by T.
Protein change: p.Arg102=; no amino-acid change (arginine 102 retained).
Molecular consequence: synonymous variant.
Genome position (GRCh38, 1-based): chr17:41,123,817, G>A on the plus strand (C>T on the coding strand, the complement: KRTAP4-12 is on the minus strand). VCF-style: chr17-41123817-G-A. GRCh37 (hg19) VCF-style: chr17-39280069-G-A.
Identifiers: ClinVar variation 2647755 (VCV002647755.24), dbSNP rs374262239, ClinGen allele CA8553028.

ClinVar aggregate classification (germline): Likely benign (1 of 4 stars; one submission).

Allele frequency attached by ClinVar (database versions not stated): ExAC 0.00061; ESP Exome Variant Server 0.00341.

Submission:

CeGaT Center for Human Genetics Tuebingen
Classification: Likely benign. Last evaluated: 2023-04-01. Review status: criteria provided, single submitter. Criteria: CeGaT Center For Human Genetics Tuebingen Variant Classification Criteria Version 2. Collection method: clinical testing. Allele origin: germline. Affected: yes. Observed: 1 variant allele.
Comment: KRTAP4-12: PM2:Supporting, BP4, BP7